The following is an entry in ClinVar:

ClinVar aggregate classification (germline): Likely pathogenic (1 of 4 stars; one submission).

Allele frequency attached by ClinVar (database versions not stated): gnomAD exomes below 0.00001; TOPMed below 0.00001; ExAC 0.00001; gnomAD 0.00001; ESP Exome Variant Server 0.00008.
gnomAD v4.1: 4 of 1,592,530 alleles (0.00025%); highest among the groups gnomAD compares: African/African-American, 0.0027%; no homozygotes.

Submission:

Labcorp Genetics (formerly Invitae), Labcorp
Classification: Likely pathogenic. Last evaluated: 2022-01-14. Review status: criteria provided, single submitter. Criteria: Invitae Variant Classification Sherloc (09022015). Collection method: clinical testing. Allele origin: germline.
Comment: In summary, the currently available evidence indicates that the variant is pathogenic, but additional data are needed to prove that conclusively. Therefore, this variant has been classified as Likely Pathogenic. This sequence change affects an acceptor splice site in intron 37 of the CPLANE1 gene. It is expected to disrupt RNA splicing. Variants that disrupt the donor or acceptor splice site typically lead to a loss of protein function (PMID: 16199547), and loss-of-function variants in CPLANE1 are known to be pathogenic (PMID: 24178751, 26092869). This variant is present in population databases (rs375029156, gnomAD 0.008%). This variant has not been reported in the literature in individuals affected with CPLANE1-related conditions. Algorithms developed to predict the effect of sequence changes on RNA splicing suggest that this variant may disrupt the consensus splice site.

Literature cited by the submitters: PubMed 16199547; PubMed 24178751; PubMed 26092869.

NM_001384732.1(CPLANE1):c.7589-2A>G

Gene: CPLANE1 (ciliogenesis and planar polarity effector complex subunit 1; minus strand). Cytogenetic location: 5p13.2.
Variant type: single nucleotide variant.
Coding change: c.7589-2A>G on transcript NM_001384732.1 (MANE Select); the canonical splice acceptor site of the intron before coding-DNA position 7589, A replaced by G.
Molecular consequence: splice acceptor variant.
Genome position (GRCh38, 1-based): chr5:37,162,568, T>C on the plus strand (A>G on the coding strand, the complement: CPLANE1 is on the minus strand). VCF-style: chr5-37162568-T-C. GRCh37 (hg19) VCF-style: chr5-37162670-T-C.
Other names: c.7589-2A>G (NM_023073.4).
Identifiers: ClinVar variation 1504535 (VCV001504535.10), dbSNP rs375029156, ClinGen allele CA3237998.
Genomic context (GRCh38, chr5:37,162,568, plus strand): 5'-CTTTTTTACAGAGGCCATGAAATGCAATCCAGCTGAAGTATTATCATCTTGTAGCATTTC[T>C]TAAATATAATAAAACATTGGAAGTAATCATTGAGAAGCTAACAGATTACCAGGAGCCCAG-3'